The following is an entry in ClinVar:

ClinVar aggregate classification (germline): Uncertain significance (1 of 4 stars; one submission).

gnomAD v4.1: 1 of 1,613,916 alleles (0.000062%); highest among the groups gnomAD compares: Non-Finnish European, 0.000085%; no homozygotes.

Submission:

CeGaT Center for Human Genetics Tuebingen
Classification: Uncertain significance. Last evaluated: 2026-08-01. Review status: criteria provided, single submitter. Criteria: CeGaT Center For Human Genetics Tuebingen Variant Classification Criteria Version 2. Collection method: clinical testing. Allele origin: germline. Affected: yes. Observed: 1 variant allele.
Comment: SCN10A: PM2

NM_006514.4(SCN10A):c.5275A>C (p.Ile1759Leu)

Gene: SCN10A (sodium voltage-gated channel alpha subunit 10; minus strand). Cytogenetic location: 3p22.2.
Variant type: single nucleotide variant.
Coding change: c.5275A>C on transcript NM_006514.4 (MANE Select); coding-DNA position 5275, A replaced by C.
Protein change: p.Ile1759Leu; replaces isoleucine 1759 with leucine.
Molecular consequence: missense variant.
Genome position (GRCh38, 1-based): chr3:38,697,945, T>G on the plus strand (A>C on the coding strand, the complement: SCN10A is on the minus strand). VCF-style: chr3-38697945-T-G. GRCh37 (hg19) VCF-style: chr3-38739436-T-G.
Other names: c.5272A>C, p.Ile1758Leu (NM_001293306.2); c.4981A>C, p.Ile1661Leu (NM_001293307.2); short protein forms I1661L, I1758L, I1759L.
Identifiers: ClinVar variation 5039261 (VCV005039261.1).